The following is an entry in ClinVar:

NM_020975.6(RET):c.*500C>T

Gene: RET (ret proto-oncogene; plus strand). Cytogenetic location: 10q11.21.
Variant type: single nucleotide variant.
Coding change: c.*500C>T on transcript NM_020975.6 (MANE Select); 500 bases downstream of the stop codon, C replaced by T.
Molecular consequence: 3 prime UTR variant. On other transcripts: intron variant (11).
Genome position (GRCh38, 1-based): chr10:43,128,769, C>T. VCF-style: chr10-43128769-C-T. GRCh37 (hg19) VCF-style: chr10-43624217-C-T.
Other names: c.*2015C>T (NM_020630.7, NM_001355216.2, NM_001406764.1 and 15 more transcripts); c.*16+484C>T (NM_001406743.1, NM_001406760.1, NM_001406769.1 and 5 more transcripts); c.3188-749C>T (NM_001406744.1); c.2291-749C>T (NM_001406781.1); c.2462-749C>T (NM_001406776.1); c.*500C>T (NM_001406759.1, NM_001406762.1, NM_001406763.1 and 8 more transcripts).
Identifiers: ClinVar variation 2640419 (VCV002640419.24), dbSNP rs564665995, ClinGen allele CA206268278.

ClinVar aggregate classification (germline): Likely benign (1 of 4 stars; one submission).

Allele frequency attached by ClinVar (database versions not stated): 1000 Genomes Project 0.00080; 1000 Genomes Project 30x 0.00125.
gnomAD v4.1: 67 of 283,630 alleles (0.024%); highest among the groups gnomAD compares: South Asian, 0.47%; no homozygotes.

Submission:

CeGaT Center for Human Genetics Tuebingen
Classification: Likely benign. Last evaluated: 2022-12-01. Review status: criteria provided, single submitter. Criteria: CeGaT Center For Human Genetics Tuebingen Variant Classification Criteria Version 2. Collection method: clinical testing. Allele origin: germline. Affected: yes. Observed: 1 variant allele.
Comment: RET: BS1